The following is an entry in ClinVar:

ClinVar aggregate classification (germline): Uncertain significance (1 of 4 stars; one submission).

Conditions:
Severe combined immunodeficiency due to DNA-PKcs deficiency. Also called: IMMUNODEFICIENCY 26 WITH NEUROLOGIC ABNORMALITIES; Immunodeficiency 26 with or without neurologic abnormalities. Identifiers: Orphanet 317425, MedGen C4014833, MONDO:0014423, OMIM 615966.

gnomAD v4.1: 3 of 1,524,056 alleles (0.0002%); highest among the groups gnomAD compares: Admixed American, 0.0061%; no homozygotes.

Submission:

Labcorp Genetics (formerly Invitae), Labcorp
Classification: Uncertain significance for Severe combined immunodeficiency due to DNA-PKcs deficiency. Last evaluated: 2024-05-12. Review status: criteria provided, single submitter. Criteria: Invitae Variant Classification Sherloc (09022015). Collection method: clinical testing. Allele origin: germline.
Comment: This sequence change replaces cysteine, which is neutral and slightly polar, with tyrosine, which is neutral and polar, at codon 491 of the PRKDC protein (p.Cys491Tyr). This variant is not present in population databases (gnomAD no frequency). This variant has not been reported in the literature in individuals affected with PRKDC-related conditions. Advanced modeling of protein sequence and biophysical properties (such as structural, functional, and spatial information, amino acid conservation, physicochemical variation, residue mobility, and thermodynamic stability) performed at Invitae indicates that this missense variant is expected to disrupt PRKDC protein function with a positive predictive value of 80%. In summary, the available evidence is currently insufficient to determine the role of this variant in disease. Therefore, it has been classified as a Variant of Uncertain Significance.

NM_006904.7(PRKDC):c.1472G>A (p.Cys491Tyr)

Gene: PRKDC (protein kinase, DNA-activated, catalytic subunit; minus strand). Cytogenetic location: 8q11.21.
Variant type: single nucleotide variant.
Coding change: c.1472G>A on transcript NM_006904.7 (MANE Select); coding-DNA position 1472, G replaced by A.
Protein change: p.Cys491Tyr; replaces cysteine 491 with tyrosine.
Molecular consequence: missense variant.
Genome position (GRCh38, 1-based): chr8:47,935,034, C>T on the plus strand (G>A on the coding strand, the complement: PRKDC is on the minus strand). VCF-style: chr8-47935034-C-T. GRCh37 (hg19) VCF-style: chr8-48847594-C-T.
Other names: c.1472G>A, p.Cys491Tyr (NM_001081640.2); short protein forms C491Y.
Identifiers: ClinVar variation 3710771 (VCV003710771.2).